The following is an entry in ClinVar:

ClinVar aggregate classification (germline): Pathogenic. Review status: criteria provided, multiple submitters, no conflicts (2 of 4 stars). 2 submissions from 2 submitters: Pathogenic (2). Last evaluated 2020-08-04.

Conditions:
X-linked Alport syndrome (ATS1). Also called: COL4A5-Related Nephropathy; NEPHROPATHY AND DEAFNESS, X-LINKED. Identifiers: Orphanet 63, Orphanet 88917, MedGen C4746986, MONDO:0010520, OMIM 301050.

Submissions (2):

Labcorp Genetics (formerly Invitae), Labcorp
Classification: Pathogenic. Last evaluated: 2020-08-04. Review status: criteria provided, single submitter. Criteria: Invitae Variant Classification Sherloc (09022015). Collection method: clinical testing. Allele origin: germline.
Comment: This variant disrupts the p.Gly105 amino acid residue in COL4A5. Other variant(s) that disrupt this residue have been determined to be pathogenic (Invitae). This suggests that this residue is clinically significant, and that variants that disrupt this residue are likely to be disease-causing. This sequence change affects the initiator methionine of the COL4A5 mRNA. The next in-frame methionine is located at codon 109. This variant is not present in population databases (ExAC no frequency). Disruption of this initiator codon has been observed in individual(s) with Alport syndrome (PMID: 24033287, Invitae). ClinVar contains an entry for this variant (Variation ID: 24214). For these reasons, this variant has been classified as Pathogenic.

Johns Hopkins Genomics, Johns Hopkins University
Classification: Pathogenic for X-linked Alport syndrome. Last evaluated: 2020-04-30. Review status: criteria provided, single submitter. Criteria: ACMG Guidelines, 2015. Collection method: clinical testing. Allele origin: germline.
Comment: This variant is predicted to abolish the native initation codon of COL4A5 and has been previously reported in a patient presenting with presumed X-linked dominant Alport syndrome (end stage-renal disease, family history of similar presentations, no information about hearing). Additionally, this COL4A5 variant is absent from a large population dataset. We consider this variant to be pathogenic.

Literature cited by the submitters: PubMed 24033287 (cited by Labcorp Genetics (formerly Invitae), Labcorp); PubMed 8651296 (cited by Johns Hopkins Genomics, Johns Hopkins University); PubMed 9195222 (cited by Johns Hopkins Genomics, Johns Hopkins University).

NM_033380.3(COL4A5):c.1A>G (p.Met1Val)

Gene: COL4A5 (collagen type IV alpha 5 chain; plus strand). Cytogenetic location: Xq22.3.
Variant type: single nucleotide variant.
Coding change: c.1A>G on transcript NM_033380.3 (MANE Select); coding-DNA position 1, A replaced by G.
Protein change: p.Met1Val; changes the start codon (methionine 1).
Molecular consequence: missense variant, initiator codon variant.
Genome position (GRCh38, 1-based): chrX:108,440,126, A>G. VCF-style: chrX-108440126-A-G. GRCh37 (hg19) VCF-style: chrX-107683356-A-G.
Other names: c.1A>G, p.Met1Val (NM_000495.5); short protein forms M1V.
Identifiers: ClinVar variation 24214 (VCV000024214.12), dbSNP rs104886050, ClinGen allele CA258193.